The following is an entry in ClinVar:

NM_152328.5(ADSS1):c.325T>G (p.Leu109Val)

Gene: ADSS1 (adenylosuccinate synthase 1; plus strand). Cytogenetic location: 14q32.33.
Variant type: single nucleotide variant.
Coding change: c.325T>G on transcript NM_152328.5 (MANE Select); coding-DNA position 325, T replaced by G.
Protein change: p.Leu109Val; replaces leucine 109 with valine.
Molecular consequence: missense variant. On other transcripts: 5 prime UTR variant (1).
Genome position (GRCh38, 1-based): chr14:104,738,405, T>G. VCF-style: chr14-104738405-T-G. GRCh37 (hg19) VCF-style: chr14-105204742-T-G.
Other names: c.-274T>G (NM_001320424.1); c.454T>G, p.Leu152Val (NM_199165.2); short protein forms L109V, L152V.
Identifiers: ClinVar variation 1681913 (VCV001681913.6), dbSNP rs1355152090, ClinGen allele CA391237140.
Genomic context (GRCh38, chr14:104,738,405, plus strand): 5'-TCTGTCTCTCATGCCTCTGTCTCTCATGCAGGCAACGGGGTGGTCATCCACTTGCCAGGC[T>G]TGTTTGAGGAAGCAGAGAAGAATGAAAAGAAAGGTAGGTCCAAGCTCCTGCAGACTTGCC-3'
Protein context (NP_689541.1, residues 99-119): GNGVVIHLPG[Leu109Val]FEEAEKNEKK

ClinVar aggregate classification (germline): Uncertain significance (1 of 4 stars; one submission).

Allele frequency attached by ClinVar (database versions not stated): TOPMed below 0.00001; gnomAD 0.00001.

Submission:

Labcorp Genetics (formerly Invitae), Labcorp
Classification: Uncertain significance. Last evaluated: 2021-08-27. Review status: criteria provided, single submitter. Criteria: Invitae Variant Classification Sherloc (09022015). Collection method: clinical testing. Allele origin: germline.
Comment: In summary, the available evidence is currently insufficient to determine the role of this variant in disease. Therefore, it has been classified as a Variant of Uncertain Significance. Algorithms developed to predict the effect of missense changes on protein structure and function are either unavailable or do not agree on the potential impact of this missense change (SIFT: "Not Available"; PolyPhen-2: "Possibly Damaging"; Align-GVGD: "Not Available"). This variant has not been reported in the literature in individuals affected with ADSSL1-related conditions. This variant is not present in population databases (ExAC no frequency). This sequence change replaces leucine with valine at codon 152 of the ADSSL1 protein (p.Leu152Val). There is a small physicochemical difference between leucine and valine.